The following is an entry in ClinVar:

ClinVar aggregate classification (germline): Benign/Likely benign. Review status: criteria provided, multiple submitters, no conflicts (2 of 4 stars). 3 submissions from 3 submitters: Benign (1); Likely benign (1). 1 of the submissions does not count toward it. Last evaluated 2025-04-15.

Conditions:
PSEN2-related disorder. Also called: PSEN2-related condition.
Alzheimer disease 4 (AD4). Identifiers: Orphanet 1020, MedGen C1847200, MONDO:0011743, OMIM 606889.

Allele frequency attached by ClinVar (database versions not stated): gnomAD exomes 0.00003 and 0.00009; ExAC 0.00008; ESP Exome Variant Server 0.00015; gnomAD 0.00024 and 0.00026; TOPMed 0.00033; 1000 Genomes Project 0.00040; 1000 Genomes Project 30x 0.00047.
gnomAD v4.1: 90 of 1,614,094 alleles (0.0056%); highest among the groups gnomAD compares: African/African-American, 0.055%; no homozygotes.

Submissions (3):

Athena Diagnostics
Classification: Benign. Last evaluated: 2025-04-15. Review status: criteria provided, single submitter. Criteria: Athena Diagnostics Criteria. Collection method: clinical testing. Allele origin: unknown.
Comment: The frequency of this variant in the general population is higher than would generally be expected for pathogenic variants in this gene. Computational tools yielded predictions that this variant is unlikely to have an effect on normal RNA splicing. This nucleotide position exhibits low evolutionary conservation. This variant has been seen where an alternate explanation for disease was also identified.

Labcorp Genetics (formerly Invitae), Labcorp
Classification: Likely benign for Alzheimer disease 4. Last evaluated: 2025-03-30. Review status: criteria provided, single submitter. Criteria: Invitae Variant Classification Sherloc (09022015). Collection method: clinical testing. Allele origin: germline.

PreventionGenetics, part of Exact Sciences
Classification: Likely benign for PSEN2-related condition. Last evaluated: 2024-08-09. Review status: no assertion criteria provided. Collection method: clinical testing. Allele origin: germline. Not counted in ClinVar's aggregate classification.
Comment: This variant is classified as likely benign based on ACMG/AMP sequence variant interpretation guidelines (Richards et al. 2015 PMID: 25741868, with internal and published modifications).

NM_000447.3(PSEN2):c.753C>T (p.Ser251=)

Gene: PSEN2 (presenilin 2; plus strand). Cytogenetic location: 1q42.13.
Variant type: single nucleotide variant.
Coding change: c.753C>T on transcript NM_000447.3 (MANE Select); coding-DNA position 753, C replaced by T.
Protein change: p.Ser251=; no amino-acid change (serine 251 retained).
Molecular consequence: synonymous variant.
Genome position (GRCh38, 1-based): chr1:226,889,015, C>T. VCF-style: chr1-226889015-C-T. GRCh37 (hg19) VCF-style: chr1-227076716-C-T.
Other names: c.753C>T, p.Ser251= (NM_012486.3).
Identifiers: ClinVar variation 704661 (VCV000704661.10), dbSNP rs200332829, ClinGen allele CA1424623.